The following is an entry in ClinVar:

NM_001286.5(CLCN6):c.1412T>C (p.Leu471Pro)

Gene: CLCN6 (chloride voltage-gated channel 6; plus strand). Cytogenetic location: 1p36.22.
Variant type: single nucleotide variant.
Coding change: c.1412T>C on transcript NM_001286.5 (MANE Select); coding-DNA position 1412, T replaced by C.
Protein change: p.Leu471Pro; replaces leucine 471 with proline.
Molecular consequence: missense variant. On other transcripts: non-coding transcript variant (1).
Genome position (GRCh38, 1-based): chr1:11,833,916, T>C. VCF-style: chr1-11833916-T-C. GRCh37 (hg19) VCF-style: chr1-11893973-T-C.
Other names: c.1346T>C, p.Leu449Pro (NM_001256959.2); short protein forms L449P, L471P.
Identifiers: ClinVar variation 3607500 (VCV003607500.2).

ClinVar aggregate classification (germline): Uncertain significance (1 of 4 stars; one submission).

gnomAD v4.1: 10 of 1,613,604 alleles (0.00062%); highest among the groups gnomAD compares: Admixed American, 0.0017%; no homozygotes.

Submission:

Labcorp Genetics (formerly Invitae), Labcorp
Classification: Uncertain significance. Last evaluated: 2024-07-22. Review status: criteria provided, single submitter. Criteria: Invitae Variant Classification Sherloc (09022015). Collection method: clinical testing. Allele origin: germline.
Comment: This sequence change replaces leucine, which is neutral and non-polar, with proline, which is neutral and non-polar, at codon 471 of the CLCN6 protein (p.Leu471Pro). This variant is not present in population databases (gnomAD no frequency). This variant has not been reported in the literature in individuals affected with CLCN6-related conditions. An algorithm developed to predict the effect of missense changes on protein structure and function (PolyPhen-2) suggests that this variant is likely to be disruptive. In summary, the available evidence is currently insufficient to determine the role of this variant in disease. Therefore, it has been classified as a Variant of Uncertain Significance.